The following is an entry in ClinVar:

NM_000038.6(APC):c.8226A>C (p.Gln2742His)

Gene: APC (APC regulator of Wnt signaling pathway; plus strand). Cytogenetic location: 5q22.2.
Variant type: single nucleotide variant.
Coding change: c.8226A>C on transcript NM_000038.6 (MANE Select); coding-DNA position 8226, A replaced by C.
Protein change: p.Gln2742His; replaces glutamine 2742 with histidine.
Molecular consequence: missense variant.
Genome position (GRCh38, 1-based): chr5:112,843,820, A>C. VCF-style: chr5-112843820-A-C. GRCh37 (hg19) VCF-style: chr5-112179517-A-C.
Other names: c.8226A>C, p.Gln2742His (NM_001127510.3, NM_001354895.2); c.8172A>C, p.Gln2724His (NM_001127511.3); c.8280A>C, p.Gln2760His (NM_001354896.2); c.8256A>C, p.Gln2752His (NM_001354897.2); c.8151A>C, p.Gln2717His (NM_001354898.2); c.8142A>C, p.Gln2714His (NM_001354899.2); c.8103A>C, p.Gln2701His (NM_001354900.2); c.8049A>C, p.Gln2683His (NM_001354901.2); and 5 more; short protein forms Q2724H, Q2742H, Q2459H, Q2641H, Q2717H, Q2616H, Q2651H, Q2714H.
Identifiers: ClinVar variation 628636 (VCV000628636.10), dbSNP rs1404406885, ClinGen allele CA16039188.

ClinVar aggregate classification (germline): Uncertain significance. Review status: criteria provided, multiple submitters, no conflicts (2 of 4 stars). 3 submissions from 3 submitters: Uncertain significance (3). Last evaluated 2025-11-17.

Conditions:
Hereditary cancer-predisposing syndrome. Also called: Neoplastic Syndromes, Hereditary; Tumor predisposition; Hereditary neoplastic syndrome; Hereditary Cancer Syndrome. Identifiers: Orphanet 140162, MedGen C0027672, MeSH D009386, MONDO:0015356.
Familial adenomatous polyposis 1 (FAP1). Also called: POLYPOSIS, ADENOMATOUS INTESTINAL; FAMILIAL ADENOMATOUS POLYPOSIS 1, ATTENUATED. Identifiers: MedGen C2713442, MONDO:0021056, OMIM 175100. Disease mechanism: loss of function.

Submissions (3):

Labcorp Genetics (formerly Invitae), Labcorp
Classification: Uncertain significance for Familial adenomatous polyposis 1. Last evaluated: 2025-11-17. Review status: criteria provided, single submitter. Criteria: Invitae Variant Classification Sherloc (09022015). Collection method: clinical testing. Allele origin: germline.
Comment: This sequence change replaces glutamine, which is neutral and polar, with histidine, which is basic and polar, at codon 2742 of the APC protein (p.Gln2742His). This variant is not present in population databases (gnomAD no frequency). This variant has not been reported in the literature in individuals affected with APC-related conditions. ClinVar contains an entry for this variant (Variation ID: 628636). Invitae Evidence Modeling of protein sequence and biophysical properties (such as structural, functional, and spatial information, amino acid conservation, physicochemical variation, residue mobility, and thermodynamic stability) indicates that this missense variant is not expected to disrupt APC protein function with a negative predictive value of 95%. In summary, the available evidence is currently insufficient to determine the role of this variant in disease. Therefore, it has been classified as a Variant of Uncertain Significance.

Color Diagnostics, LLC DBA Color Health
Classification: Uncertain significance for Hereditary cancer-predisposing syndrome. Last evaluated: 2025-01-28. Review status: criteria provided, single submitter. Criteria: ACMG Guidelines, 2015. Collection method: clinical testing. Allele origin: germline.
Comment: This missense variant replaces glutamine with histidine at codon 2742 of the APC protein. Computational prediction suggests that this variant may not impact protein structure and function (internally defined REVEL score threshold <= 0.5, PMID: 27666373). To our knowledge, functional studies have not been reported for this variant. This variant has not been reported in individuals affected with APC-related disorders in the literature. This variant has not been identified in the general population by the Genome Aggregation Database (gnomAD). The available evidence is insufficient to determine the role of this variant in disease conclusively. Therefore, this variant is classified as a Variant of Uncertain Significance.

Ambry Genetics
Classification: Uncertain significance for Hereditary cancer-predisposing syndrome. Last evaluated: 2024-01-30. Review status: criteria provided, single submitter. Criteria: Ambry Variant Classification Scheme 2023. Collection method: clinical testing. Allele origin: germline.
Comment: The p.Q2742H variant (also known as c.8226A>C), located in coding exon 15 of the APC gene, results from an A to C substitution at nucleotide position 8226. The glutamine at codon 2742 is replaced by histidine, an amino acid with highly similar properties. This amino acid position is not well conserved in available vertebrate species. In addition, in silico predictors for this gene do not accurately predict pathogenicity. Since supporting evidence is limited at this time, the clinical significance of this alteration remains unclear.